The following is an entry in ClinVar:

ClinVar aggregate classification (germline): Uncertain significance (0 of 4 stars; one submission).

Conditions:
WDFY4-related disorder. Also called: WDFY4-related condition.

Allele frequency attached by ClinVar (database versions not stated): gnomAD 0.00001; gnomAD exomes 0.00001; TOPMed 0.00002.
gnomAD v4.1: 8 of 1,552,112 alleles (0.00052%); highest among the groups gnomAD compares: Admixed American, 0.016%; no homozygotes.

Submission:

PreventionGenetics, part of Exact Sciences
Classification: Uncertain significance for WDFY4-related condition. Last evaluated: 2023-11-22. Review status: no assertion criteria provided. Collection method: clinical testing. Allele origin: germline.
Comment: The WDFY4 c.4064T>C variant is predicted to result in the amino acid substitution p.Leu1355Ser. To our knowledge, this variant has not been reported in the literature. This variant is reported in 0.016% of alleles in individuals of Latino descent in gnomAD. At this time, the clinical significance of this variant is uncertain due to the absence of conclusive functional and genetic evidence.

NM_001394531.1(WDFY4):c.4064T>C (p.Leu1355Ser)

Gene: WDFY4 (WDFY family member 4; plus strand). Cytogenetic location: 10q11.23.
Variant type: single nucleotide variant.
Coding change: c.4064T>C on transcript NM_001394531.1 (MANE Select); coding-DNA position 4064, T replaced by C.
Protein change: p.Leu1355Ser; replaces leucine 1355 with serine.
Molecular consequence: missense variant.
Genome position (GRCh38, 1-based): chr10:48,789,983, T>C. VCF-style: chr10-48789983-T-C. GRCh37 (hg19) VCF-style: chr10-49998028-T-C.
Other names: c.4064T>C, p.Leu1355Ser (NM_001370153.1, NM_020945.2); short protein forms L1355S.
Identifiers: ClinVar variation 3032446 (VCV003032446.2), dbSNP rs925436142, ClinGen allele CA206527311.